The following is an entry in ClinVar:

NM_001040142.2(SCN2A):c.1672-10T>G

Gene: SCN2A (sodium voltage-gated channel alpha subunit 2; plus strand). Cytogenetic location: 2q24.3.
Variant type: single nucleotide variant.
Coding change: c.1672-10T>G on transcript NM_001040142.2 (MANE Select); 10 bases into the intron before coding-DNA position 1672, T replaced by G.
Molecular consequence: intron variant.
Genome position (GRCh38, 1-based): chr2:165,323,146, T>G. VCF-style: chr2-165323146-T-G. GRCh37 (hg19) VCF-style: chr2-166179656-T-G.
Other names: p.?; c.1672-10T>G (NM_001040143.2, NM_001371246.1, NM_001371247.1 and 1 more transcripts).
Identifiers: ClinVar variation 4684593 (VCV004684593.1).
Genomic context (GRCh38, chr2:165,323,146, plus strand): 5'-TTCTGTTTTTCAGAATGCCAGCTCTTAACTCTCTTCATCTCATTTTTGTTTCTTCTCTTG[T>G]TATTCATAGTCCTTACTGAGCATCCGTGGCTCCCTTTTCTCTCCAAGACGCAACAGTAGG-3'

ClinVar aggregate classification (germline): Likely benign (1 of 4 stars; one submission).

gnomAD v4.1: 1 of 1,612,792 alleles (0.000062%); highest among the groups gnomAD compares: Non-Finnish European, 0.000085%; no homozygotes.

Submission:

Mayo Clinic Laboratories, Mayo Clinic
Classification: Likely benign. Last evaluated: 2025-10-06. Review status: criteria provided, single submitter. Criteria: ACMG Guidelines, 2015. Collection method: clinical testing. Allele origin: germline. Observed: 1 variant allele.
Comment: BP4, BP7